The following is an entry in ClinVar:

NM_004304.5(ALK):c.136T>C (p.Tyr46His)

Gene: ALK (ALK receptor tyrosine kinase; minus strand). Cytogenetic location: 2p23.1.
Variant type: single nucleotide variant.
Coding change: c.136T>C on transcript NM_004304.5 (MANE Select); coding-DNA position 136, T replaced by C.
Protein change: p.Tyr46His; replaces tyrosine 46 with histidine.
Molecular consequence: missense variant.
Genome position (GRCh38, 1-based): chr2:29,920,524, A>G on the plus strand (T>C on the coding strand, the complement: ALK is on the minus strand). VCF-style: chr2-29920524-A-G. GRCh37 (hg19) VCF-style: chr2-30143390-A-G.
Other names: short protein forms Y46H.
Identifiers: ClinVar variation 4827113 (VCV004827113.1).

ClinVar aggregate classification (germline): Uncertain significance (1 of 4 stars; one submission).

Conditions:
Hereditary cancer-predisposing syndrome. Also called: Neoplastic Syndromes, Hereditary; Tumor predisposition; Hereditary Cancer Syndrome; Hereditary neoplastic syndrome. Identifiers: Orphanet 140162, MedGen C0027672, MeSH D009386, MONDO:0015356.

Submission:

Ambry Genetics
Classification: Uncertain significance for Hereditary cancer-predisposing syndrome. Last evaluated: 2026-03-09. Review status: criteria provided, single submitter. Criteria: Ambry Variant Classification Scheme 2023. Collection method: clinical testing. Allele origin: germline.
Comment: The p.Y46H variant (also known as c.136T>C), located in coding exon 1 of the ALK gene, results from a T to C substitution at nucleotide position 136. The tyrosine at codon 46 is replaced by histidine, an amino acid with similar properties. This amino acid position is conserved. In addition, this alteration is predicted to be tolerated by in silico analysis. Based on the available evidence, the clinical significance of this variant remains unclear.